The following is an entry in ClinVar:

ClinVar aggregate classification (germline): Conflicting classifications of pathogenicity. Review status: criteria provided, conflicting classifications (1 of 4 stars). 2 submissions from 2 submitters: Pathogenic (1); Uncertain significance (1). Last evaluated 2022-03-19.

Submissions (2):

Labcorp Genetics (formerly Invitae), Labcorp
Classification: Pathogenic. Last evaluated: 2022-03-19. Review status: criteria provided, single submitter. Criteria: Invitae Variant Classification Sherloc (09022015). Collection method: clinical testing. Allele origin: germline.
Comment: For these reasons, this variant has been classified as Pathogenic. This variant disrupts the p.Arg195 amino acid residue in NKX2-1. Other variant(s) that disrupt this residue have been determined to be pathogenic (PMID: 20020530, 23430038). This suggests that this residue is clinically significant, and that variants that disrupt this residue are likely to be disease-causing. Algorithms developed to predict the effect of missense changes on protein structure and function (SIFT, PolyPhen-2, Align-GVGD) all suggest that this variant is likely to be disruptive. ClinVar contains an entry for this variant (Variation ID: 505233). This missense change has been observed in individual(s) with clinical features of NKX2-1-related conditions (Invitae). In at least one individual the variant was observed to be de novo. This variant is not present in population databases (gnomAD no frequency). This sequence change replaces arginine, which is basic and polar, with glutamine, which is neutral and polar, at codon 195 of the NKX2-1 protein (p.Arg195Gln).

Laboratory for Molecular Medicine, Mass General Brigham Personalized Medicine
Classification: Uncertain significance. Last evaluated: 2016-07-20. Review status: criteria provided, single submitter. Criteria: LMM Criteria. Collection method: clinical testing. Allele origin: germline. Observed: 1 variant allele.
Comment: Variant classified as Uncertain Significance - Favor Pathogenic. The p.Arg195Gln variant in NKX2-1 has not been previously reported in individuals with pulmonar y disease or in large population studies. However, a variant at the same codon ( p.Arg195Trp, c.583C>T) has been identified de novo in two individuals with featu res consistent with Brain-Lung-Thyroid syndrome (Guillot 2009, listed as p.Arg16 5Trp and Hamvas 2013). The p.Arg195Gln variant is located in the DNA binding dom ain of the NKX2-1 transcription factor and the affected amino acid is conserved in evolution, increasing the likelihood that the variant affects protein functio n. In summary, while there is some suspicion for a pathogenic role, the clinical significance of the p.Arg195Gln variant is uncertain.

Literature cited by the submitters: PubMed 20020530 (cited by Labcorp Genetics (formerly Invitae), Labcorp and Laboratory for Molecular Medicine, Mass General Brigham Personalized Medicine); PubMed 23430038 (cited by Labcorp Genetics (formerly Invitae), Labcorp and Laboratory for Molecular Medicine, Mass General Brigham Personalized Medicine).

NM_001079668.3(NKX2-1):c.584G>A (p.Arg195Gln)

Genes: NKX2-1 (NK2 homeobox 1; minus strand), SFTA3 (surfactant associated 3; minus strand). Cytogenetic location: 14q13.3.
Variant type: single nucleotide variant.
Coding change: c.584G>A on transcript NM_001079668.3 (MANE Select); coding-DNA position 584, G replaced by A.
Protein change: p.Arg195Gln; replaces arginine 195 with glutamine.
Molecular consequence: missense variant.
Genome position (GRCh38, 1-based): chr14:36,517,900, C>T on the plus strand (G>A on the coding strand, the complement: NKX2-1 is on the minus strand). VCF-style: chr14-36517900-C-T. GRCh37 (hg19) VCF-style: chr14-36987105-C-T.
Other names: c.494G>A, p.Arg165Gln (NM_003317.4); short protein forms R195Q, R165Q.
Identifiers: ClinVar variation 505233 (VCV000505233.9), dbSNP rs1555349228, ClinGen allele CA389459494.